The following is an entry in ClinVar:

ClinVar aggregate classification (germline): Uncertain significance. Review status: criteria provided, single submitter (1 of 4 stars). 2 submissions from 2 submitters: Uncertain significance (1). 1 of the submissions does not count toward it. Last evaluated 2024-08-09.

Conditions:
CAPN5-related disorder. Also called: CAPN5-related condition.

gnomAD v4.1: 17 of 1,614,170 alleles (0.0011%); highest among the groups gnomAD compares: East Asian, 0.0022%; no homozygotes.

Submissions (2):

Labcorp Genetics (formerly Invitae), Labcorp
Classification: Uncertain significance. Last evaluated: 2024-08-09. Review status: criteria provided, single submitter. Criteria: Invitae Variant Classification Sherloc (09022015). Collection method: clinical testing. Allele origin: germline.
Comment: This sequence change replaces arginine, which is basic and polar, with serine, which is neutral and polar, at codon 217 of the CAPN5 protein (p.Arg217Ser). This variant is present in population databases (no rsID available, gnomAD 0.006%). This variant has not been reported in the literature in individuals affected with CAPN5-related conditions. Advanced modeling of protein sequence and biophysical properties (such as structural, functional, and spatial information, amino acid conservation, physicochemical variation, residue mobility, and thermodynamic stability) performed at Invitae indicates that this missense variant is not expected to disrupt CAPN5 protein function with a negative predictive value of 80%. In summary, the available evidence is currently insufficient to determine the role of this variant in disease. Therefore, it has been classified as a Variant of Uncertain Significance.

PreventionGenetics, part of Exact Sciences
Classification: Uncertain significance for CAPN5-related condition. Last evaluated: 2023-12-26. Review status: no assertion criteria provided. Collection method: clinical testing. Allele origin: germline. Not counted in ClinVar's aggregate classification.
Comment: The CAPN5 c.649C>A variant is predicted to result in the amino acid substitution p.Arg217Ser. To our knowledge, this variant has not been reported in the literature. This variant is reported in 0.0054% of alleles in individuals of East Asian descent in gnomAD. At this time, the clinical significance of this variant is uncertain due to the absence of conclusive functional and genetic evidence.

NM_004055.5(CAPN5):c.649C>A (p.Arg217Ser)

Gene: CAPN5 (calpain 5; plus strand). Cytogenetic location: 11q13.5.
Variant type: single nucleotide variant.
Coding change: c.649C>A on transcript NM_004055.5 (MANE Select); coding-DNA position 649, C replaced by A.
Protein change: p.Arg217Ser; replaces arginine 217 with serine.
Molecular consequence: missense variant.
Genome position (GRCh38, 1-based): chr11:77,114,384, C>A. VCF-style: chr11-77114384-C-A. GRCh37 (hg19) VCF-style: chr11-76825430-C-A.
Other names: c.769C>A, p.Arg257Ser (NM_001425321.1); c.649C>A, p.Arg217Ser (NM_001425322.1); c.517C>A, p.Arg173Ser (NM_001425323.1); short protein forms R173S, R217S, R257S.
Identifiers: ClinVar variation 3030267 (VCV003030267.4), dbSNP rs1402261316, ClinGen allele CA381938226.